The following is an entry in ClinVar:

ClinVar aggregate classification (germline): Likely pathogenic (1 of 4 stars; one submission).

Conditions:
Severe intellectual disability-poor language-strabismus-grimacing face-long fingers syndrome (GAND). Also called: GAND SYNDROME. Identifiers: Orphanet 363686, MedGen C3554448, MONDO:0014034, OMIM 615074.

Submission:

Human Genetics Bochum, Ruhr University Bochum
Classification: Likely pathogenic for Severe intellectual disability-poor language-strabismus-grimacing face-long fingers syndrome. Last evaluated: 2023-03-14. Review status: criteria provided, single submitter. Criteria: ACMG Guidelines, 2015. Collection method: clinical testing. Allele origin: germline. Affected: yes.
Comment: ACMG criteria used to clasify this variant: PVS1, PM2_SUP

NM_020699.4(GATAD2B):c.420del (p.Arg141fs)

Gene: GATAD2B (GATA zinc finger domain containing 2B; minus strand). Cytogenetic location: 1q21.3.
Variant type: Deletion.
Coding change: c.420del on transcript NM_020699.4 (MANE Select); coding-DNA position 420, one base deleted (C; older notation c.420delC).
Protein change: p.Arg141fs; shifts the reading frame from arginine 141.
Molecular consequence: frameshift variant.
Genome position (GRCh38, 1-based): chr1:153,819,651, G deleted on the plus strand (C on the coding strand, the reverse complement: GATAD2B is on the minus strand); the first of 2 consecutive G bases (chr1:153,819,651-153,819,652); deleting either gives the same sequence. VCF-style (leftmost placement, unchanged base first): chr1-153819650-TG-T. GRCh37 (hg19) VCF-style: chr1-153792126-TG-T.
Other names: short protein forms R141fs.
Identifiers: ClinVar variation 3027466 (VCV003027466.1), dbSNP rs2525261371, ClinGen allele CA2740090371.